The following is an entry in ClinVar:

NM_001367624.2(ZNF469):c.4479G>A (p.Pro1493=)

Gene: ZNF469 (zinc finger protein 469; plus strand). Cytogenetic location: 16q24.2.
Variant type: single nucleotide variant.
Coding change: c.4479G>A on transcript NM_001367624.2 (MANE Select); coding-DNA position 4479, G replaced by A.
Protein change: p.Pro1493=; no amino-acid change (proline 1493 retained).
Molecular consequence: synonymous variant.
Genome position (GRCh38, 1-based): chr16:88,431,949, G>A. VCF-style: chr16-88431949-G-A. GRCh37 (hg19) VCF-style: chr16-88498357-G-A.
Other names: NM_001127464.1:c.4395G>A; NM_001127464.2:c.4395G>A.
Identifiers: ClinVar variation 320925 (VCV000320925.22), dbSNP rs373162171, ClinGen allele CA8224967.

ClinVar aggregate classification (germline): Conflicting classifications of pathogenicity. Review status: criteria provided, conflicting classifications (1 of 4 stars). 7 submissions from 7 submitters: Uncertain significance (1); Likely benign (5). 1 of the submissions does not count toward it. Last evaluated 2026-01-11.

Conditions:
ZNF469-related disorder. Also called: ZNF469-related condition.
Cardiovascular phenotype. Identifiers: MedGen CN230736.

Allele frequency attached by ClinVar (database versions not stated): gnomAD exomes 0.00009 and 0.00020; ExAC 0.00041; ESP Exome Variant Server 0.00066; gnomAD 0.00093 and 0.00101; 1000 Genomes Project 0.00100; 1000 Genomes Project 30x 0.00109; TOPMed 0.00111.
gnomAD v4.1: 282 of 1,549,236 alleles (0.018%); highest among the groups gnomAD compares: African/African-American, 0.28%; no homozygotes.

Submissions (7):

Labcorp Genetics (formerly Invitae), Labcorp
Classification: Likely benign. Last evaluated: 2026-01-11. Review status: criteria provided, single submitter. Criteria: Invitae Variant Classification Sherloc (09022015). Collection method: clinical testing. Allele origin: germline.

Greenwood Genetic Center Diagnostic Laboratories, Greenwood Genetic Center
Classification: Uncertain significance. Last evaluated: 2024-08-23. Review status: criteria provided, single submitter. Criteria: ACMG Guidelines, 2015. Collection method: clinical testing. Allele origin: germline. Affected: yes.
Comment: BP4

Women's Health and Genetics/Laboratory Corporation of America, LabCorp
Classification: Likely benign. Last evaluated: 2024-04-03. Review status: criteria provided, single submitter. Criteria: LabCorp Variant Classification Summary - May 2015. Collection method: clinical testing. Allele origin: germline.

Blueprint Genetics
Classification: Likely benign. Last evaluated: 2023-12-08. Review status: criteria provided, single submitter. Criteria: ACMG Guidelines, 2015. Collection method: clinical testing. Allele origin: germline.

Ambry Genetics
Classification: Likely benign for Cardiovascular phenotype. Last evaluated: 2022-02-11. Review status: criteria provided, single submitter. Criteria: Ambry Variant Classification Scheme 2023. Collection method: clinical testing. Allele origin: germline.

GeneDx
Classification: Likely benign. Last evaluated: 2021-04-09. Review status: criteria provided, single submitter. Criteria: GeneDx Variant Classification Process June 2021. Collection method: clinical testing. Allele origin: germline. Affected: yes.

PreventionGenetics, part of Exact Sciences
Classification: Likely benign for ZNF469-related condition. Last evaluated: 2020-07-02. Review status: no assertion criteria provided. Collection method: clinical testing. Allele origin: germline. Not counted in ClinVar's aggregate classification.
Comment: This variant is classified as likely benign based on ACMG/AMP sequence variant interpretation guidelines (Richards et al. 2015 PMID: 25741868, with internal and published modifications).